The following is an entry in ClinVar:

NM_020338.4(ZMIZ1):c.1053G>A (p.Met351Ile)

Gene: ZMIZ1 (zinc finger MIZ-type containing 1; plus strand). Cytogenetic location: 10q22.3.
Variant type: single nucleotide variant.
Coding change: c.1053G>A on transcript NM_020338.4 (MANE Select); coding-DNA position 1053, G replaced by A.
Protein change: p.Met351Ile; replaces methionine 351 with isoleucine.
Molecular consequence: missense variant.
Genome position (GRCh38, 1-based): chr10:79,293,476, G>A. VCF-style: chr10-79293476-G-A. GRCh37 (hg19) VCF-style: chr10-81053233-G-A.
Other names: short protein forms M351I.
Identifiers: ClinVar variation 1704664 (VCV001704664.2), dbSNP rs2492048566, ClinGen allele CA377334528.

ClinVar aggregate classification (germline): Uncertain significance (1 of 4 stars; one submission).

Submission:

GeneDx
Classification: Uncertain significance. Last evaluated: 2022-03-09. Review status: criteria provided, single submitter. Criteria: GeneDx Variant Classification Process June 2021. Collection method: clinical testing. Allele origin: germline. Affected: yes.
Comment: Not observed at significant frequency in large population cohorts (gnomAD); In silico analysis supports that this missense variant does not alter protein structure/function; Has not been previously published as pathogenic or benign to our knowledge